The following is an entry in ClinVar:

NM_033026.6(PCLO):c.1824C>G (p.Asn608Lys)

Gene: PCLO (piccolo presynaptic cytomatrix protein; minus strand). Cytogenetic location: 7q21.11.
Variant type: single nucleotide variant.
Coding change: c.1824C>G on transcript NM_033026.6 (MANE Select); coding-DNA position 1824, C replaced by G.
Protein change: p.Asn608Lys; replaces asparagine 608 with lysine.
Molecular consequence: missense variant.
Genome position (GRCh38, 1-based): chr7:83,154,817, G>C on the plus strand (C>G on the coding strand, the complement: PCLO is on the minus strand). VCF-style: chr7-83154817-G-C. GRCh37 (hg19) VCF-style: chr7-82784133-G-C.
Other names: c.1824C>G, p.Asn608Lys (NM_014510.3); short protein forms N608K.
Identifiers: ClinVar variation 1472314 (VCV001472314.8), dbSNP rs747810894, ClinGen allele CA4321384.

ClinVar aggregate classification (germline): Uncertain significance (1 of 4 stars; one submission).

Allele frequency attached by ClinVar (database versions not stated): gnomAD exomes below 0.00001 and 0.00002; TOPMed below 0.00001; ExAC 0.00001.
gnomAD v4.1: 32 of 1,613,978 alleles (0.002%); highest among the groups gnomAD compares: Non-Finnish European, 0.0022%; no homozygotes.

Submission:

Labcorp Genetics (formerly Invitae), Labcorp
Classification: Uncertain significance. Last evaluated: 2021-01-29. Review status: criteria provided, single submitter. Criteria: Invitae Variant Classification Sherloc (09022015). Collection method: clinical testing. Allele origin: germline.
Comment: Algorithms developed to predict the effect of missense changes on protein structure and function are either unavailable or do not agree on the potential impact of this missense change (SIFT: "Deleterious"; PolyPhen-2: "Not Available"; Align-GVGD: "Class C0"). This sequence change replaces asparagine with lysine at codon 608 of the PCLO protein (p.Asn608Lys). The asparagine residue is moderately conserved and there is a moderate physicochemical difference between asparagine and lysine. This variant is present in population databases (rs747810894, ExAC 0.001%). This variant has not been reported in the literature in individuals with PCLO-related conditions. In summary, the available evidence is currently insufficient to determine the role of this variant in disease. Therefore, it has been classified as a Variant of Uncertain Significance.